The following is an entry in ClinVar:

ClinVar aggregate classification (germline): Likely benign (1 of 4 stars; one submission).

Allele frequency attached by ClinVar (database versions not stated): 1000 Genomes Project 30x 0.00219; 1000 Genomes Project 0.00220; ExAC 0.00454; ESP Exome Variant Server 0.00708.
gnomAD v4.1: 10,687 of 1,613,696 alleles (0.66%); highest among the groups gnomAD compares: Non-Finnish European, 0.82%; 40 homozygotes.

Submission:

CeGaT Center for Human Genetics Tuebingen
Classification: Likely benign. Last evaluated: 2023-11-01. Review status: criteria provided, single submitter. Criteria: CeGaT Center For Human Genetics Tuebingen Variant Classification Criteria Version 2. Collection method: clinical testing. Allele origin: germline. Affected: yes. Observed: 1 variant allele.
Comment: VWA8: PM5, BS2

NM_015058.2(VWA8):c.4690G>A (p.Val1564Met)

Gene: VWA8 (von Willebrand factor A domain containing 8; minus strand). Cytogenetic location: 13q14.11.
Variant type: single nucleotide variant.
Coding change: c.4690G>A on transcript NM_015058.2 (MANE Select); coding-DNA position 4690, G replaced by A.
Protein change: p.Val1564Met; replaces valine 1564 with methionine.
Molecular consequence: missense variant.
Genome position (GRCh38, 1-based): chr13:41,615,006, C>T on the plus strand (G>A on the coding strand, the complement: VWA8 is on the minus strand). VCF-style: chr13-41615006-C-T. GRCh37 (hg19) VCF-style: chr13-42189142-C-T.
Other names: short protein forms V1564M.
Identifiers: ClinVar variation 2672545 (VCV002672545.23), dbSNP rs73464952, ClinGen allele CA6963299.